The following is an entry in ClinVar:

ClinVar aggregate classification (germline): Pathogenic. Review status: criteria provided, multiple submitters, no conflicts (2 of 4 stars). 2 submissions from 2 submitters: Pathogenic (2). Last evaluated 2025-09-16.

Conditions:
Autosomal recessive limb-girdle muscular dystrophy type 2U. Also called: Muscular dystrophy-dystroglycanopathy (limb-girdle), type c, 7; MUSCULAR DYSTROPHY, LIMB-GIRDLE, TYPE 2U. Identifiers: Orphanet 352479, MedGen C5190987, MONDO:0014474, OMIM 616052.

Submissions (2):

GeneDx
Classification: Pathogenic. Last evaluated: 2025-09-16. Review status: criteria provided, single submitter. Criteria: GeneDx Variant Classification Process June 2021. Collection method: clinical testing. Allele origin: germline. Affected: yes.
Comment: Frameshift variant predicted to result in protein truncation or nonsense mediated decay in a gene for which loss of function is a known mechanism of disease; Not observed at significant frequency in large population cohorts (gnomAD); This variant is associated with the following publications: (PMID: 22522421, 23288328)

Victorian Clinical Genetics Services, Murdoch Childrens Research Institute
Classification: Pathogenic for Autosomal recessive limb-girdle muscular dystrophy type 2U. Last evaluated: 2022-02-02. Review status: criteria provided, single submitter. Criteria: ACMG Guidelines, 2015. Collection method: clinical testing. Allele origin: germline. Inheritance: Autosomal recessive inheritance.
Comment: Based on the classification scheme VCGS_Germline_v1.3.4, this variant is classified as Pathogenic. Following criteria are met: 0102 - Loss of function is a known mechanism of disease in this gene and is associated with muscular dystrophy-dystroglycanopathy (congenital with brain and eye anomalies), type A, 7 (MIM#614643) and muscular dystrophy-dystroglycanopathy (limb-girdle), type C, 7 (MIM#616052). (I) 0106 - This gene is associated with autosomal recessive disease. (I) 0201 - Variant is predicted to cause nonsense-mediated decay (NMD) and loss of protein (premature termination codon is located at least 54 nucleotides upstream of the final exon-exon junction). (SP) 0251 - This variant is heterozygous. (I) 0304 - Variant is present in gnomAD (v3) <0.01 for a recessive condition (18 heterozygotes, 0 homozygotes). It has been misannotated as p.(Ser19Glufs*97). (SP) 0701 - Other NMD-predicted variants comparable to the one identified in this case have very strong previous evidence for pathogenicity. Multiple NMD-predicted variants have been reported as pathogenic, and observed in patients with limb girdle muscular dystrophy and/or Walker-Warburg syndrome (ClinVar, PMID: 28688748, PMID: 30060766, PMID: 22522420). (SP) 0807 - This variant has no previous evidence of pathogenicity. (I) 0905 - No published segregation evidence has been identified for this variant. (I) 1007 - No published functional evidence has been identified for this variant. (I) 1208 - Inheritance information for this variant is not currently available in this individual. (I) Legend: (SP) - Supporting pathogenic, (I) - Information, (SB) - Supporting benign

Literature cited by the submitters: PubMed 22522420 (cited by Victorian Clinical Genetics Services, Murdoch Childrens Research Institute); PubMed 28688748 (cited by Victorian Clinical Genetics Services, Murdoch Childrens Research Institute); PubMed 30060766 (cited by Victorian Clinical Genetics Services, Murdoch Childrens Research Institute).

NM_001101426.4(CRPPA):c.54_55delinsTGC (p.Ser19fs)

Genes: CRPPA (CDP-L-ribitol pyrophosphorylase A; minus strand), LOC129998005 (ATAC-STARR-seq lymphoblastoid silent region 17982; plus strand). Cytogenetic location: 7p21.2.
Variant type: Indel.
Coding change: c.54_55delinsTGC on transcript NM_001101426.4 (MANE Select); coding-DNA positions 54 to 55, GA replaced by TGC.
Protein change: p.Ser19fs; shifts the reading frame from serine 19.
Molecular consequence: frameshift variant. On other transcripts: non-coding transcript variant (1).
Genome position (GRCh38, 1-based): chr7:16,421,268-16,421,269, TC replaced by GCA on the plus strand (GA replaced by TGC on the coding strand, the reverse complement: CRPPA is on the minus strand). VCF-style: chr7-16421268-TC-GCA. GRCh37 (hg19) VCF-style: chr7-16460893-TC-GCA.
Other names: c.54_55delinsTGC, p.Ser19fs (NM_001101417.4, NM_001368197.1); c.54_55delGAinsTGC (NM_001101426.3); short protein forms S19fs.
Identifiers: ClinVar variation 1342054 (VCV001342054.4), dbSNP rs2128321525, ClinGen allele CA1139771241.